The following is an entry in ClinVar:

NC_000020.10:g.(?_10256140)_(10654178_?)dup

Genes: JAG1 (jagged canonical Notch ligand 1; minus strand), MKKS (MKKS centrosomal shuttling protein; minus strand), SLX4IP (SLX4 interacting protein; plus strand), SNAP25 (synaptosome associated protein 25; plus strand). Cytogenetic location: 20p12.2.
Variant type: Duplication.
Identifiers: ClinVar variation 1401472 (VCV001401472.3).

ClinVar aggregate classification (germline): Uncertain significance (1 of 4 stars; one submission).

Conditions:
Bardet-Biedl syndrome (BBS). Identifiers: Orphanet 110, MedGen C0752166, MONDO:0015229.
McKusick-Kaufman syndrome (MKKS). Also called: HYDROMETROCOLPOS SYNDROME; HYDROMETROCOLPOS, POSTAXIAL POLYDACTYLY, AND CONGENITAL HEART MALFORMATION. Identifiers: Orphanet 2473, MedGen C0948368, MONDO:0009367, OMIM 236700.

Submission:

Labcorp Genetics (formerly Invitae), Labcorp
Classification: Uncertain significance for McKusick-Kaufman syndrome; Bardet-Biedl syndrome. Last evaluated: 2021-06-19. Review status: criteria provided, single submitter. Criteria: Invitae Variant Classification Sherloc (09022015). Collection method: clinical testing. Allele origin: germline.
Comment: A copy number gain of the genomic region encompassing the full coding sequence of the MKKS gene has been identified. The boundaries of this event are unknown as they extend beyond the assayed region for this gene and therefore may encompass additional genes. As the precise location of this event is unknown, it may be in tandem or it may be located elsewhere in the genome. This variant has not been reported in the literature in individuals with MKKS-related conditions. In summary, the available evidence is currently insufficient to determine the role of this variant in disease. Therefore, it has been classified as a Variant of Uncertain Significance.